The following is an entry in ClinVar:

ClinVar aggregate classification (germline): Uncertain significance (0 of 4 stars; one submission).

Conditions:
VPS13B-related disorder. Also called: VPS13B-related condition.

gnomAD v4.1: 1 of 1,614,006 alleles (0.000062%); highest among the groups gnomAD compares: African/African-American, 0.0013%; no homozygotes.

Submission:

PreventionGenetics, part of Exact Sciences
Classification: Uncertain significance for VPS13B-related condition. Last evaluated: 2024-07-17. Review status: no assertion criteria provided. Collection method: clinical testing. Allele origin: germline.
Comment: The VPS13B c.5590C>A variant is predicted to result in the amino acid substitution p.Gln1864Lys. To our knowledge, this variant has not been reported in the literature or in a large population database, indicating this variant is rare. At this time, the clinical significance of this variant is uncertain due to the absence of conclusive functional and genetic evidence.

NM_152564.5(VPS13B):c.5590C>A (p.Gln1864Lys)

Gene: VPS13B (vacuolar protein sorting 13 homolog B; plus strand). Cytogenetic location: 8q22.2.
Variant type: single nucleotide variant.
Coding change: c.5590C>A on transcript NM_152564.5 (MANE Select); coding-DNA position 5590, C replaced by A.
Protein change: p.Gln1864Lys; replaces glutamine 1864 with lysine.
Molecular consequence: missense variant.
Genome position (GRCh38, 1-based): chr8:99,642,180, C>A. VCF-style: chr8-99642180-C-A. GRCh37 (hg19) VCF-style: chr8-100654408-C-A.
Other names: c.5665C>A, p.Gln1889Lys (NM_017890.5); short protein forms Q1864K, Q1889K.
Identifiers: ClinVar variation 3344823 (VCV003344823.1).